The following is an entry in ClinVar:

ClinVar aggregate classification (germline): Uncertain significance (1 of 4 stars; one submission).

Submission:

Labcorp Genetics (formerly Invitae), Labcorp
Classification: Uncertain significance. Last evaluated: 2024-10-01. Review status: criteria provided, single submitter. Criteria: Invitae Variant Classification Sherloc (09022015). Collection method: clinical testing. Allele origin: germline.
Comment: This sequence change affects a donor splice site in intron 11 of the FAR1 gene. While this variant is not anticipated to result in nonsense mediated decay, it likely alters RNA splicing and results in a disrupted protein product. This variant is not present in population databases (gnomAD no frequency). This variant has not been reported in the literature in individuals affected with FAR1-related conditions. Variants that disrupt the consensus splice site are a relatively common cause of aberrant splicing (PMID: 17576681, 9536098). Algorithms developed to predict the effect of sequence changes on RNA splicing suggest that this variant may disrupt the consensus splice site. In summary, the available evidence is currently insufficient to determine the role of this variant in disease. Therefore, it has been classified as a Variant of Uncertain Significance.

Literature cited by the submitters: PubMed 17576681; PubMed 9536098.

NM_032228.6(FAR1):c.1385+1G>C

Gene: FAR1 (fatty acyl-CoA reductase 1; plus strand). Cytogenetic location: 11p15.3.
Variant type: single nucleotide variant.
Coding change: c.1385+1G>C on transcript NM_032228.6 (MANE Select); the canonical splice donor site of the intron after coding-DNA position 1385, G replaced by C.
Molecular consequence: splice donor variant.
Genome position (GRCh38, 1-based): chr11:13,727,684, G>C. VCF-style: chr11-13727684-G-C. GRCh37 (hg19) VCF-style: chr11-13749231-G-C.
Identifiers: ClinVar variation 3721962 (VCV003721962.2).